The following is an entry in ClinVar:

NM_001267550.2(TTN):c.45436G>T (p.Glu15146Ter)

Genes: TTN (titin; minus strand), LOC126806427 (BRD4-independent group 4 enhancer GRCh37_chr2:179485777-179486976; plus strand). Cytogenetic location: 2q31.2.
Variant type: single nucleotide variant.
Coding change: c.45436G>T on transcript NM_001267550.2 (MANE Select); coding-DNA position 45436, G replaced by T.
Protein change: p.Glu15146Ter; replaces glutamic acid 15146 with a stop codon.
Molecular consequence: nonsense.
Genome position (GRCh38, 1-based): chr2:178,621,282, C>A on the plus strand (G>T on the coding strand, the complement: TTN is on the minus strand). VCF-style: chr2-178621282-C-A. GRCh37 (hg19) VCF-style: chr2-179486009-C-A.
Other names: c.40513G>T, p.Glu13505Ter (NM_001256850.1); c.18241G>T, p.Glu6081Ter (NM_003319.4); c.37732G>T, p.Glu12578Ter (NM_133378.4); c.18616G>T, p.Glu6206Ter (NM_133432.3); c.18817G>T, p.Glu6273Ter (NM_133437.4); short protein forms E12578*, E13505*, E15146*, E6081*, E6206*, E6273*.
Identifiers: ClinVar variation 4879845 (VCV004879845.1).

ClinVar aggregate classification (germline): Likely pathogenic (1 of 4 stars; one submission).

Conditions:
Dilated cardiomyopathy 1G (CMD1G). Identifiers: Orphanet 154, MedGen C1858763, MONDO:0011400, OMIM 604145.

Submission:

MVZ Medizinische Genetik Mainz
Classification: Likely pathogenic for Dilated cardiomyopathy 1G. Last evaluated: 2026-06-18. Review status: criteria provided, single submitter. Criteria: UK Practice Guidelines For Variant Classification V4 01 2020. Collection method: clinical testing. Allele origin: germline. Inheritance: Autosomal dominant inheritance. Affected: yes. Observed: 1 variant allele.
Comment: ACMG Criteria: PVS1,PM2_SUP